The following is an entry in ClinVar:

NM_001059.3(TACR3):c.992G>A (p.Trp331Ter)

Genes: TACR3 (tachykinin receptor 3; minus strand), TACR3-AS1 (TACR3 antisense RNA 1; plus strand). Cytogenetic location: 4q24.
Variant type: single nucleotide variant.
Coding change: c.992G>A on transcript NM_001059.3 (MANE Select); coding-DNA position 992, G replaced by A.
Protein change: p.Trp331Ter; replaces tryptophan 331 with a stop codon.
Molecular consequence: nonsense.
Genome position (GRCh38, 1-based): chr4:103,591,580, C>T on the plus strand (G>A on the coding strand, the complement: TACR3 is on the minus strand). VCF-style: chr4-103591580-C-T. GRCh37 (hg19) VCF-style: chr4-104512737-C-T.
Other names: short protein forms W331*.
Identifiers: ClinVar variation 4281244 (VCV004281244.8).
Genomic context (GRCh38, chr4:103,591,580, plus strand): 5'-TACATGGTTGAGCTCATTGCCAGCCAAAAGCTAGCCAGGTAGACCTGCTGGATGTATTTC[C>T]ATCTATTTAGTTGTTGATAGATTGCAGTGAGAATGAAGTAAATATGATAGGGCAGCCAGC-3'

ClinVar aggregate classification (germline): Pathogenic/Likely pathogenic. Review status: criteria provided, multiple submitters, no conflicts (2 of 4 stars). 2 submissions from 2 submitters: Pathogenic (1); Likely pathogenic (1). Last evaluated 2025-10-01.

Conditions:
Hypogonadotropic hypogonadism 11 with or without anosmia (HH11). Also called: TACR3-Related GnRH Deficiency; HYPOGONADOTROPIC HYPOGONADISM 11 WITHOUT ANOSMIA. Identifiers: Orphanet 478, MedGen C3553844, MONDO:0013913, OMIM 614840.

Submissions (2):

CeGaT Center for Human Genetics Tuebingen
Classification: Pathogenic. Last evaluated: 2025-10-01. Review status: criteria provided, single submitter. Criteria: CeGaT Center For Human Genetics Tuebingen Variant Classification Criteria Version 2. Collection method: clinical testing. Allele origin: germline. Affected: yes. Observed: 3 variant alleles.
Comment: TACR3: PVS1, PM2, PM3:Supporting

Juno Genomics, Hangzhou Juno Genomics, Inc
Classification: Likely pathogenic for Hypogonadotropic hypogonadism 11 with or without anosmia. Review status: criteria provided, single submitter. Criteria: ACMG Guidelines, 2015. Collection method: clinical testing. Allele origin: germline.
Comment: Null variant in a gene where loss of function (LOF) is a known mechanism of disease.;Absent from controls (or at extremely low frequency if recessive) in Genome Aggregation Database.